The following is an entry in ClinVar:

NM_032119.4(ADGRV1):c.13397G>C (p.Ser4466Thr)

Gene: ADGRV1 (adhesion G protein-coupled receptor V1; plus strand). Cytogenetic location: 5q14.3.
Variant type: single nucleotide variant.
Coding change: c.13397G>C on transcript NM_032119.4 (MANE Select); coding-DNA position 13397, G replaced by C.
Protein change: p.Ser4466Thr; replaces serine 4466 with threonine.
Molecular consequence: missense variant. On other transcripts: non-coding transcript variant (1).
Genome position (GRCh38, 1-based): chr5:90,783,289, G>C. VCF-style: chr5-90783289-G-C. GRCh37 (hg19) VCF-style: chr5-90079106-G-C.
Other names: short protein forms S4466T.
Identifiers: ClinVar variation 1715160 (VCV001715160.5), dbSNP rs575318632, ClinGen allele CA360394270.

ClinVar aggregate classification (germline): Uncertain significance (1 of 4 stars; one submission).

Submission:

Labcorp Genetics (formerly Invitae), Labcorp
Classification: Uncertain significance. Last evaluated: 2022-08-05. Review status: criteria provided, single submitter. Criteria: Invitae Variant Classification Sherloc (09022015). Collection method: clinical testing. Allele origin: germline.
Comment: In summary, the available evidence is currently insufficient to determine the role of this variant in disease. Therefore, it has been classified as a Variant of Uncertain Significance. Algorithms developed to predict the effect of missense changes on protein structure and function are either unavailable or do not agree on the potential impact of this missense change (SIFT: "Tolerated"; PolyPhen-2: "Probably Damaging"; Align-GVGD: "Class C0"). This variant has not been reported in the literature in individuals affected with ADGRV1-related conditions. This variant is not present in population databases (gnomAD no frequency). This sequence change replaces serine, which is neutral and polar, with threonine, which is neutral and polar, at codon 4466 of the ADGRV1 protein (p.Ser4466Thr).